The following is an entry in ClinVar:

ClinVar aggregate classification (germline): Uncertain significance (1 of 4 stars; one submission).

Conditions:
Cardiovascular phenotype. Identifiers: MedGen CN230736.

Submission:

Ambry Genetics
Classification: Uncertain significance for Cardiovascular phenotype. Last evaluated: 2022-04-13. Review status: criteria provided, single submitter. Criteria: Ambry Variant Classification Scheme 2023. Collection method: clinical testing. Allele origin: germline.
Comment: The c.170+2T>C intronic variant results from a T to C substitution two nucleotides after coding exon 1 in the DSP gene. This nucleotide position is well conserved in available vertebrate species. In silico splice site analysis predicts that this alteration will weaken the native splice donor site and will result in the creation or strengthening of a novel splice donor site. Alterations that disrupt the canonical splice site are expected to cause aberrant splicing, resulting in an abnormal protein or a transcript that is subject to nonsense-mediated mRNA decay; however, +2T>C alterations are capable of generating wild-type transcripts in some genomic contexts and should be interpreted with caution (Lin JH et al. Hum Mutat. 2019 10;40:1856-1873). Since supporting evidence is limited at this time, the clinical significance of this alteration remains unclear.

NM_004415.4(DSP):c.170+2T>C

Genes: DSP (desmoplakin; plus strand), DSP-AS1 (DSP antisense RNA 1; minus strand). Cytogenetic location: 6p24.3.
Variant type: single nucleotide variant.
Coding change: c.170+2T>C on transcript NM_004415.4 (MANE Select); the canonical splice donor site of the intron after coding-DNA position 170, T replaced by C.
Molecular consequence: splice donor variant.
Genome position (GRCh38, 1-based): chr6:7,542,087, T>C. VCF-style: chr6-7542087-T-C. GRCh37 (hg19) VCF-style: chr6-7542320-T-C.
Other names: c.170+2T>C (NM_001319034.2, NM_001008844.3, NM_001406591.1).
Identifiers: ClinVar variation 1778338 (VCV001778338.2), dbSNP rs1581777867, ClinGen allele CA362676079.
Genomic context (GRCh38, chr6:7,542,087, plus strand): 5'-AGCAGGATGTACTATTCTCGGCGCGGCGTGATCACCGACCAGAACTCGGACGGCTACTGG[T>C]GGGTACCTGCCCGGAGAGCGCGGGCTGCGGGGCTCGCGGGACAGGGAGGGACCGTCCTCC-3'